The following is an entry in ClinVar:

NM_144997.7(FLCN):c.434A>G (p.Asp145Gly)

Gene: FLCN (folliculin; minus strand). Cytogenetic location: 17p11.2.
Variant type: single nucleotide variant.
Coding change: c.434A>G on transcript NM_144997.7 (MANE Select); coding-DNA position 434, A replaced by G.
Protein change: p.Asp145Gly; replaces aspartic acid 145 with glycine.
Molecular consequence: missense variant.
Genome position (GRCh38, 1-based): chr17:17,224,106, T>C on the plus strand (A>G on the coding strand, the complement: FLCN is on the minus strand). VCF-style: chr17-17224106-T-C. GRCh37 (hg19) VCF-style: chr17-17127420-T-C.
Other names: c.488A>G, p.Asp163Gly (NM_001353229.2); c.434A>G, p.Asp145Gly (NM_001353230.2, NM_001353231.2, NM_144606.7); short protein forms D163G, D145G.
Identifiers: ClinVar variation 3515679 (VCV003515679.1).

ClinVar aggregate classification (germline): Uncertain significance (1 of 4 stars; one submission).

Conditions:
Hereditary cancer-predisposing syndrome. Also called: Tumor predisposition; Neoplastic Syndromes, Hereditary; Hereditary Cancer Syndrome; Hereditary neoplastic syndrome. Identifiers: Orphanet 140162, MedGen C0027672, MeSH D009386, MONDO:0015356.

Submission:

Ambry Genetics
Classification: Uncertain significance for Hereditary cancer-predisposing syndrome. Last evaluated: 2024-12-08. Review status: criteria provided, single submitter. Criteria: Ambry Variant Classification Scheme 2023. Collection method: clinical testing. Allele origin: germline.
Comment: The p.D145G variant (also known as c.434A>G), located in coding exon 3 of the FLCN gene, results from an A to G substitution at nucleotide position 434. The aspartic acid at codon 145 is replaced by glycine, an amino acid with similar properties. This amino acid position is conserved. In addition, this alteration is predicted to be deleterious by in silico analysis. Based on the available evidence, the clinical significance of this variant remains unclear.